The following is an entry in ClinVar:

NM_001035235.4(SRA1):c.196C>A (p.Pro66Thr)

Gene: SRA1 (steroid receptor RNA activator 1; minus strand). Cytogenetic location: 5q31.3.
Variant type: single nucleotide variant.
Coding change: c.196C>A on transcript NM_001035235.4 (MANE Select); coding-DNA position 196, C replaced by A.
Protein change: p.Pro66Thr; replaces proline 66 with threonine.
Molecular consequence: missense variant. On other transcripts: non-coding transcript variant (2), intron variant (1).
Genome position (GRCh38, 1-based): chr5:140,552,140, G>T on the plus strand (C>A on the coding strand, the complement: SRA1 is on the minus strand). VCF-style: chr5-140552140-G-T. GRCh37 (hg19) VCF-style: chr5-139931725-G-T.
Other names: c.307-971C>A (NM_001253764.2); short protein forms P66T.
Identifiers: ClinVar variation 2251511 (VCV002251511.5), dbSNP rs1754581092, ClinGen allele CA361206054.

ClinVar aggregate classification (germline): Uncertain significance. Review status: criteria provided, multiple submitters, no conflicts (2 of 4 stars). 2 submissions from 2 submitters: Uncertain significance (2). Last evaluated 2023-06-19.

Allele frequency attached by ClinVar (database versions not stated): TOPMed below 0.00001.

Submissions (2):

Labcorp Genetics (formerly Invitae), Labcorp
Classification: Uncertain significance. Last evaluated: 2023-06-19. Review status: criteria provided, single submitter. Criteria: Invitae Variant Classification Sherloc (09022015). Collection method: clinical testing. Allele origin: germline.
Comment: In summary, the available evidence is currently insufficient to determine the role of this variant in disease. Therefore, it has been classified as a Variant of Uncertain Significance. An algorithm developed to predict the effect of missense changes on protein structure and function (PolyPhen-2) suggests that this variant is likely to be tolerated. ClinVar contains an entry for this variant (Variation ID: 2251511). This variant has not been reported in the literature in individuals affected with SRA1-related conditions. This variant is not present in population databases (gnomAD no frequency). This sequence change replaces proline, which is neutral and non-polar, with threonine, which is neutral and polar, at codon 78 of the SRA1 protein (p.Pro78Thr).

Ambry Genetics
Classification: Uncertain significance. Last evaluated: 2021-09-17. Review status: criteria provided, single submitter. Criteria: Ambry Variant Classification Scheme 2023. Collection method: clinical testing. Allele origin: germline.